The following is an entry in ClinVar:

ClinVar aggregate classification (germline): Benign. Review status: criteria provided, multiple submitters, no conflicts (2 of 4 stars). 9 submissions from 8 submitters: Benign (9). Last evaluated 2026-06-16.

Conditions:
Polyps, multiple and recurrent inflammatory fibroid, gastrointestinal. Identifiers: MedGen C5193005, MONDO:0008285, OMIM 175510.
Hereditary cancer-predisposing syndrome. Also called: Neoplastic Syndromes, Hereditary; Hereditary neoplastic syndrome; Hereditary Cancer Syndrome; Tumor predisposition. Identifiers: Orphanet 140162, MedGen C0027672, MeSH D009386, MONDO:0015356.
Idiopathic hypereosinophilic syndrome (HES). Identifiers: Orphanet 3260, MedGen C0206141, MONDO:0011895, OMIM 607685. Disease mechanism: gain of function.
Gastrointestinal stromal tumor. Also called: Gastrointestinal stromal tumor, somatic; Gastrointestinal stroma tumor. Identifiers: Orphanet 44890, MedGen C0238198, MeSH D046152, MONDO:0011719, OMIM 606764, HP:0100723.

Allele frequency attached by ClinVar (database versions not stated): gnomAD exomes 0.14395 and 0.18622; ESP Exome Variant Server 0.16500; gnomAD 0.17867 and 0.18155; ExAC 0.17964; TOPMed 0.19514; 1000 Genomes Project 0.23622; 1000 Genomes Project 30x 0.24188.
gnomAD v4.1: 237,951 of 1,612,950 alleles (15%); highest among the groups gnomAD compares: Admixed American, 37%; 20,970 homozygotes.

Submissions (9):

Myriad Genetics, Inc.
Classification: Benign for Polyps, multiple and recurrent inflammatory fibroid, gastrointestinal. Last evaluated: 2026-06-16. Review status: criteria provided, single submitter. Criteria: Myriad Autosomal Dominant, Autosomal Recessive and X-Linked Classification Criteria (2023). Collection method: clinical testing. Allele origin: unknown.
Comment: This variant is considered benign. This variant is a silent/synonymous amino acid change and it is not expected to impact splicing.

Labcorp Genetics (formerly Invitae), Labcorp
Classification: Benign for Gastrointestinal stromal tumor. Last evaluated: 2026-02-04. Review status: criteria provided, single submitter. Criteria: Invitae Variant Classification Sherloc (09022015). Collection method: clinical testing. Allele origin: germline.

Mayo Clinic Laboratories, Mayo Clinic
Classification: Benign. Last evaluated: 2022-04-26. Review status: criteria provided, single submitter. Criteria: ACMG Guidelines, 2015. Collection method: clinical testing. Allele origin: germline. Observed: 139 variant alleles.

Ambry Genetics
Classification: Benign for Hereditary cancer-predisposing syndrome. Last evaluated: 2018-11-08. Review status: criteria provided, single submitter. Criteria: Ambry Variant Classification Scheme 2023. Collection method: clinical testing. Allele origin: germline.

GeneDx
Classification: Benign. Last evaluated: 2018-06-22. Review status: criteria provided, single submitter. Criteria: GeneDx Variant Classification Process June 2021. Collection method: clinical testing. Allele origin: germline. Affected: yes.

Illumina Laboratory Services, Illumina
Classification: Benign for Idiopathic hypereosinophilic syndrome. Last evaluated: 2018-01-13. Review status: criteria provided, single submitter. Criteria: ICSL Variant Classification Criteria 13 December 2019. Collection method: clinical testing. Allele origin: germline.
Comment: This variant was observed in the ICSL laboratory as part of a predisposition screen in an ostensibly healthy population. It had not been previously curated by ICSL or reported in the Human Gene Mutation Database (HGMD: prior to June 1st, 2018), and was therefore a candidate for classification through an automated scoring system. Utilizing variant allele frequency, disease prevalence and penetrance estimates, and inheritance mode, an automated score was calculated to assess if this variant is too frequent to cause the disease. Based on the score and internal cut-off values, a variant classified as benign is not then subjected to further curation. The score for this variant resulted in a classification of benign for this disease.

Illumina Laboratory Services, Illumina
Classification: Benign for Gastrointestinal stromal tumor. Last evaluated: 2018-01-13. Review status: criteria provided, single submitter. Criteria: ICSL Variant Classification Criteria 13 December 2019. Collection method: clinical testing. Allele origin: germline.
Comment: the same text as in the submission from Illumina Laboratory Services, Illumina above.

Breakthrough Genomics
Classification: Benign. Review status: criteria provided, single submitter. Criteria: ACMG Guidelines, 2015. Collection method: not provided. Allele origin: germline. Inheritance: Autosomal dominant inheritance. Affected: yes.

PreventionGenetics, part of Exact Sciences
Classification: Benign. Review status: criteria provided, single submitter. Criteria: ACMG Guidelines, 2015. Collection method: clinical testing. Allele origin: germline.

NM_006206.6(PDGFRA):c.612T>C (p.Asn204=)

Gene: PDGFRA (platelet derived growth factor receptor alpha; plus strand). Cytogenetic location: 4q12.
Variant type: single nucleotide variant.
Coding change: c.612T>C on transcript NM_006206.6 (MANE Select); coding-DNA position 612, T replaced by C.
Protein change: p.Asn204=; no amino-acid change (asparagine 204 retained).
Molecular consequence: synonymous variant.
Genome position (GRCh38, 1-based): chr4:54,263,911, T>C. VCF-style: chr4-54263911-T-C. GRCh37 (hg19) VCF-style: chr4-55130078-T-C.
Other names: p.Asn204=; c.612T>C, p.Asn204= (NM_001347827.2, NM_001347829.2); c.687T>C, p.Asn229= (NM_001347828.2); c.651T>C, p.Asn217= (NM_001347830.2).
Identifiers: ClinVar variation 259955 (VCV000259955.25), dbSNP rs2229307, ClinGen allele CA2922318.
Genomic context (GRCh38, chr4:54,263,911, plus strand): 5'-AGGGCCCTATATCTGTGAGGCCACCGTCAAAGGAAAGAAGTTCCAGACCATCCCATTTAA[T>C]GTTTATGCTTTAAAAGGTACTTGTATCATCTCCTTCCTTCTTTAAATAAGAGTAACAGGC-3'
Protein context (NP_006197.1, residues 194-214): KGKKFQTIPF[Asn204=]VYALKATSEL